The following is an entry in ClinVar:

NM_001174089.2(SLC4A11):c.1687C>T (p.Leu563Phe)

Gene: SLC4A11 (solute carrier family 4 member 11; minus strand). Cytogenetic location: 20p13.
Variant type: single nucleotide variant.
Coding change: c.1687C>T on transcript NM_001174089.2 (MANE Select); coding-DNA position 1687, C replaced by T.
Protein change: p.Leu563Phe; replaces leucine 563 with phenylalanine.
Molecular consequence: missense variant. On other transcripts: non-coding transcript variant (3).
Genome position (GRCh38, 1-based): chr20:3,229,579, G>A on the plus strand (C>T on the coding strand, the complement: SLC4A11 is on the minus strand). VCF-style: chr20-3229579-G-A. GRCh37 (hg19) VCF-style: chr20-3210225-G-A.
Other names: c.1816C>T, p.Leu606Phe (NM_001174090.2); c.1573C>T, p.Leu525Phe (NM_001363745.2); c.1630C>T, p.Leu544Phe (NM_001400277.1, NM_001400278.1, NM_001400279.1); c.1702C>T, p.Leu568Phe (NM_001400280.1); c.1735C>T, p.Leu579Phe (NM_032034.4); short protein forms L606F, L563F, L579F, L525F, L544F, L568F.
Identifiers: ClinVar variation 2183762 (VCV002183762.1), dbSNP rs1439970908, ClinGen allele CA408087931.
Genomic context (GRCh38, chr20:3,229,579, plus strand): 5'-CTCACCTCTTCTTGAATTGGTAGAGGGTGTAGCCCAGCCAGAGCGTGCCCAGCATGATGA[G>A]GAGGCTGAGCACGGCGGTCGCCTGGCCTGAGTGTGTGGCCGAGGGCAGCTCCGTGGGGCT-3'
Protein context (NP_001167560.1, residues 553-573): SGQATAVLSL[Leu563Phe]IMLGTLWLGY

ClinVar aggregate classification (germline): Uncertain significance (1 of 4 stars; one submission).

Allele frequency attached by ClinVar (database versions not stated): gnomAD 0.00003; TOPMed 0.00003.
gnomAD v4.1: 20 of 1,612,828 alleles (0.0012%); highest among the groups gnomAD compares: Non-Finnish European, 0.0017%; no homozygotes.

Submission:

Labcorp Genetics (formerly Invitae), Labcorp
Classification: Uncertain significance. Last evaluated: 2021-09-17. Review status: criteria provided, single submitter. Criteria: Invitae Variant Classification Sherloc (09022015). Collection method: clinical testing. Allele origin: germline.
Comment: This sequence change replaces leucine with phenylalanine at codon 579 of the SLC4A11 protein (p.Leu579Phe). The leucine residue is moderately conserved and there is a small physicochemical difference between leucine and phenylalanine. This variant is not present in population databases (ExAC no frequency). This variant has not been reported in the literature in individuals with SLC4A11-related conditions. Algorithms developed to predict the effect of missense changes on protein structure and function output the following: SIFT: "Deleterious"; PolyPhen-2: "Benign"; Align-GVGD: "Class C0". The phenylalanine amino acid residue is found in multiple mammalian species, suggesting that this missense change does not adversely affect protein function. These predictions have not been confirmed by published functional studies and their clinical significance is uncertain. In summary, the available evidence is currently insufficient to determine the role of this variant in disease. Therefore, it has been classified as a Variant of Uncertain Significance.